The following is an entry in ClinVar:

NM_001113378.2(FANCI):c.1537A>G (p.Met513Val)

Gene: FANCI (FA complementation group I; plus strand). Cytogenetic location: 15q26.1.
Variant type: single nucleotide variant.
Coding change: c.1537A>G on transcript NM_001113378.2 (MANE Select); coding-DNA position 1537, A replaced by G.
Protein change: p.Met513Val; replaces methionine 513 with valine.
Molecular consequence: missense variant.
Genome position (GRCh38, 1-based): chr15:89,281,789, A>G. VCF-style: chr15-89281789-A-G. GRCh37 (hg19) VCF-style: chr15-89825020-A-G.
Other names: c.1258A>G, p.Met420Val (NM_001376910.1); c.1537A>G, p.Met513Val (NM_001376911.1, NM_018193.3); short protein forms M420V, M513V.
Identifiers: ClinVar variation 1336519 (VCV001336519.4), dbSNP rs148780626, ClinGen allele CA7723052.

ClinVar aggregate classification (germline): Uncertain significance. Review status: criteria provided, multiple submitters, no conflicts (2 of 4 stars). 2 submissions from 2 submitters: Uncertain significance (2). Last evaluated 2018-01-19.

Conditions:
Fanconi anemia complementation group I (FANCI). Also called: FANCI-Related Fanconi Anemia. Identifiers: Orphanet 84, MedGen C1836861, MONDO:0012186, OMIM 609053.

Allele frequency attached by ClinVar (database versions not stated): ExAC 0.00002; gnomAD exomes 0.00002; gnomAD 0.00003; TOPMed 0.00003; ESP Exome Variant Server 0.00008.
gnomAD v4.1: 15 of 1,613,830 alleles (0.00093%); highest among the groups gnomAD compares: African/African-American, 0.013%; no homozygotes.

Submissions (2):

Genetic Services Laboratory, University of Chicago
Classification: Uncertain significance. Last evaluated: 2018-01-19. Review status: criteria provided, single submitter. Criteria: ACMG Guidelines, 2015. Collection method: clinical testing. Allele origin: germline. Affected: no.

Neuberg Centre For Genomic Medicine, NCGM
Classification: Uncertain significance for Fanconi anemia complementation group I. Review status: criteria provided, single submitter. Criteria: ACMG Guidelines, 2015. Collection method: clinical testing. Allele origin: germline. Inheritance: Autosomal recessive inheritance. Affected: yes.
Comment: The missense variant c.1537A>G (p.Met513Val) in FANCI gene has not been reported previously as a pathogenic variant nor as a benign variant, to our knowledge. The p.Met513Val variant has allele frequency 0.002% in gnomAD exomes and novel (not in any individuals) in 1000 Genomes. This variant has been reported to the ClinVar database as Uncertain Significance. The amino acid Met at position 513 is changed to a Val changing protein sequence and it might alter its composition and physico-chemical properties. The amino acid change p.Met513Val in FANCI is predicted as conserved by GERP++ and PhyloP across 100 vertebrates. For these reasons, this variant has been classified as Uncertain Significance (VUS).